The following is an entry in ClinVar:

NM_000038.6(APC):c.2579T>C (p.Leu860Pro)

Gene: APC (APC regulator of Wnt signaling pathway; plus strand). Cytogenetic location: 5q22.2.
Variant type: single nucleotide variant.
Coding change: c.2579T>C on transcript NM_000038.6 (MANE Select); coding-DNA position 2579, T replaced by C.
Protein change: p.Leu860Pro; replaces leucine 860 with proline.
Molecular consequence: missense variant.
Genome position (GRCh38, 1-based): chr5:112,838,173, T>C. VCF-style: chr5-112838173-T-C. GRCh37 (hg19) VCF-style: chr5-112173870-T-C.
Other names: c.2579T>C, p.Leu860Pro (NM_001127510.3, NM_001354895.2, NM_001407450.1); c.2525T>C, p.Leu842Pro (NM_001127511.3); c.2633T>C, p.Leu878Pro (NM_001354896.2, NM_001407447.1, NM_001407448.1 and 1 more transcripts); c.2609T>C, p.Leu870Pro (NM_001354897.2); c.2504T>C, p.Leu835Pro (NM_001354898.2); c.2495T>C, p.Leu832Pro (NM_001354899.2); c.2456T>C, p.Leu819Pro (NM_001354900.2); c.2402T>C, p.Leu801Pro (NM_001354901.2, NM_001407453.1); and 12 more; short protein forms L476P, L577P, L700P, L731P, L734P, L759P, L769P, L777P.
Identifiers: ClinVar variation 1716006 (VCV001716006.7), dbSNP rs2149872875, ClinGen allele CA16026982.

ClinVar aggregate classification (germline): Uncertain significance. Review status: criteria provided, multiple submitters, no conflicts (2 of 4 stars). 2 submissions from 2 submitters: Uncertain significance (2). Last evaluated 2023-11-10.

Conditions:
Familial adenomatous polyposis 1 (FAP1). Also called: POLYPOSIS, ADENOMATOUS INTESTINAL; FAMILIAL ADENOMATOUS POLYPOSIS 1, ATTENUATED. Identifiers: MedGen C2713442, MONDO:0021056, OMIM 175100. Disease mechanism: loss of function.
Hereditary cancer-predisposing syndrome. Also called: Neoplastic Syndromes, Hereditary; Tumor predisposition; Hereditary Cancer Syndrome; Hereditary neoplastic syndrome. Identifiers: Orphanet 140162, MedGen C0027672, MeSH D009386, MONDO:0015356.

Submissions (2):

Ambry Genetics
Classification: Uncertain significance for Hereditary cancer-predisposing syndrome. Last evaluated: 2023-11-10. Review status: criteria provided, single submitter. Criteria: Ambry Variant Classification Scheme 2023. Collection method: clinical testing. Allele origin: germline.
Comment: The p.L860P variant (also known as c.2579T>C), located in coding exon 15 of the APC gene, results from a T to C substitution at nucleotide position 2579. The leucine at codon 860 is replaced by proline, an amino acid with similar properties. This amino acid position is conserved. In addition, in silico predictors for this gene do not accurately predict pathogenicity. Since supporting evidence is limited at this time, the clinical significance of this alteration remains unclear.

Labcorp Genetics (formerly Invitae), Labcorp
Classification: Uncertain significance for Familial adenomatous polyposis 1. Last evaluated: 2022-08-10. Review status: criteria provided, single submitter. Criteria: Invitae Variant Classification Sherloc (09022015). Collection method: clinical testing. Allele origin: germline.
Comment: In summary, the available evidence is currently insufficient to determine the role of this variant in disease. Therefore, it has been classified as a Variant of Uncertain Significance. Algorithms developed to predict the effect of missense changes on protein structure and function are either unavailable or do not agree on the potential impact of this missense change (SIFT: "Deleterious"; PolyPhen-2: "Benign"; Align-GVGD: "Class C0"). This variant has not been reported in the literature in individuals affected with APC-related conditions. This variant is not present in population databases (gnomAD no frequency). This sequence change replaces leucine, which is neutral and non-polar, with proline, which is neutral and non-polar, at codon 860 of the APC protein (p.Leu860Pro).